The following is an entry in ClinVar:

NM_004813.4(PEX16):c.493T>C (p.Ser165Pro)

Gene: PEX16 (peroxisomal biogenesis factor 16; minus strand). Cytogenetic location: 11p11.2.
Variant type: single nucleotide variant.
Coding change: c.493T>C on transcript NM_004813.4 (MANE Select); coding-DNA position 493, T replaced by C.
Protein change: p.Ser165Pro; replaces serine 165 with proline.
Molecular consequence: missense variant.
Genome position (GRCh38, 1-based): chr11:45,914,652, A>G on the plus strand (T>C on the coding strand, the complement: PEX16 is on the minus strand). VCF-style: chr11-45914652-A-G. GRCh37 (hg19) VCF-style: chr11-45936203-A-G.
Other names: c.493T>C, p.Ser165Pro (NM_057174.3); c.493T>C (NM_004813.2); short protein forms S165P.
Identifiers: ClinVar variation 2139613 (VCV002139613.2), dbSNP rs768523500, ClinGen allele CA5959951.

ClinVar aggregate classification (germline): Uncertain significance. Review status: criteria provided, multiple submitters, no conflicts (2 of 4 stars). 2 submissions from 2 submitters: Uncertain significance (2). Last evaluated 2025-05-16.

Conditions:
Inborn genetic diseases. Identifiers: MedGen C0950123, MeSH D030342.
Peroxisome biogenesis disorder. Identifiers: Orphanet 79189, MedGen C1832200, MONDO:0019234. Disease mechanism: loss of function.

Allele frequency attached by ClinVar (database versions not stated): TOPMed below 0.00001; ExAC 0.00002.

Submissions (2):

Ambry Genetics
Classification: Uncertain significance for Inborn genetic diseases. Last evaluated: 2025-05-16. Review status: criteria provided, single submitter. Criteria: Ambry Variant Classification Scheme 2023. Collection method: clinical testing. Allele origin: germline.

Labcorp Genetics (formerly Invitae), Labcorp
Classification: Uncertain significance for Peroxisome biogenesis disorder. Last evaluated: 2022-03-16. Review status: criteria provided, single submitter. Criteria: Invitae Variant Classification Sherloc (09022015). Collection method: clinical testing. Allele origin: germline.
Comment: This sequence change replaces serine, which is neutral and polar, with proline, which is neutral and non-polar, at codon 165 of the PEX16 protein (p.Ser165Pro). This variant is present in population databases (rs768523500, gnomAD 0.006%). This variant has not been reported in the literature in individuals affected with PEX16-related conditions. Algorithms developed to predict the effect of missense changes on protein structure and function output the following: SIFT: "Tolerated"; PolyPhen-2: "Benign"; Align-GVGD: "Class C0". The proline amino acid residue is found in multiple mammalian species, which suggests that this missense change does not adversely affect protein function. In summary, the available evidence is currently insufficient to determine the role of this variant in disease. Therefore, it has been classified as a Variant of Uncertain Significance.